The following is an entry in ClinVar:

NM_006767.4(LZTR1):c.1125G>C (p.Lys375Asn)

Gene: LZTR1 (leucine zipper like post translational regulator 1; plus strand). Cytogenetic location: 22q11.21.
Variant type: single nucleotide variant.
Coding change: c.1125G>C on transcript NM_006767.4 (MANE Select); coding-DNA position 1125, G replaced by C.
Protein change: p.Lys375Asn; replaces lysine 375 with asparagine.
Molecular consequence: missense variant.
Genome position (GRCh38, 1-based): chr22:20,992,345, G>C. VCF-style: chr22-20992345-G-C. GRCh37 (hg19) VCF-style: chr22-21346634-G-C.
Other names: short protein forms K375N.
Identifiers: ClinVar variation 2039756 (VCV002039756.4), dbSNP rs2518618144, ClinGen allele CA410782107.
Genomic context (GRCh38, chr22:20,992,345, plus strand): 5'-GGTTGGCTTCAAGAAGTCCCGAGATGTGTTTGGCCTGGACTTTGGCACCACCTCAGCCAA[G>C]CAGCCCACCCAGCCTGCCTCGGAGGTACAGGCTGGGATCCTCATTAAGACTCCATCACCC-3'
Protein context (NP_006758.2, residues 365-385): FGLDFGTTSA[Lys375Asn]QPTQPASELP

ClinVar aggregate classification (germline): Uncertain significance (1 of 4 stars; one submission).

Submission:

Labcorp Genetics (formerly Invitae), Labcorp
Classification: Uncertain significance. Last evaluated: 2022-02-21. Review status: criteria provided, single submitter. Criteria: Invitae Variant Classification Sherloc (09022015). Collection method: clinical testing. Allele origin: germline.
Comment: In summary, the available evidence is currently insufficient to determine the role of this variant in disease. Therefore, it has been classified as a Variant of Uncertain Significance. Algorithms developed to predict the effect of missense changes on protein structure and function (SIFT, PolyPhen-2, Align-GVGD) all suggest that this variant is likely to be tolerated. This variant has not been reported in the literature in individuals affected with LZTR1-related conditions. This variant is not present in population databases (gnomAD no frequency). This sequence change replaces lysine, which is basic and polar, with asparagine, which is neutral and polar, at codon 375 of the LZTR1 protein (p.Lys375Asn).